The following is an entry in ClinVar:

NM_006231.4(POLE):c.3881G>A (p.Arg1294His)

Gene: POLE (DNA polymerase epsilon, catalytic subunit; minus strand). Cytogenetic location: 12q24.33.
Variant type: single nucleotide variant.
Coding change: c.3881G>A on transcript NM_006231.4 (MANE Select); coding-DNA position 3881, G replaced by A.
Protein change: p.Arg1294His; replaces arginine 1294 with histidine.
Molecular consequence: missense variant.
Genome position (GRCh38, 1-based): chr12:132,649,430, C>T on the plus strand (G>A on the coding strand, the complement: POLE is on the minus strand). VCF-style: chr12-132649430-C-T. GRCh37 (hg19) VCF-style: chr12-133226016-C-T.
Other names: short protein forms R1294H.
Identifiers: ClinVar variation 240485 (VCV000240485.29), dbSNP rs115455318, ClinGen allele CA6893064.

ClinVar aggregate classification (germline): Conflicting classifications of pathogenicity. Review status: criteria provided, conflicting classifications (1 of 4 stars). 8 submissions from 8 submitters: Uncertain significance (3); Likely benign (5). Last evaluated 2026-01-22.

Conditions:
POLE-related disorder. Also called: POLE-related disorders; POLE-related condition.
Hereditary cancer-predisposing syndrome. Also called: Neoplastic Syndromes, Hereditary; Hereditary neoplastic syndrome; Hereditary Cancer Syndrome; Tumor predisposition. Identifiers: Orphanet 140162, MedGen C0027672, MeSH D009386, MONDO:0015356.

Allele frequency attached by ClinVar (database versions not stated): gnomAD 0.00041; TOPMed 0.00053; ESP Exome Variant Server 0.00062; 1000 Genomes Project 30x 0.00078; 1000 Genomes Project 0.00080.
gnomAD v4.1: 131 of 1,613,032 alleles (0.0081%); highest among the groups gnomAD compares: African/African-American, 0.14%; 1 homozygote.

Submissions (8):

Labcorp Genetics (formerly Invitae), Labcorp
Classification: Likely benign. Last evaluated: 2026-01-22. Review status: criteria provided, single submitter. Criteria: Invitae Variant Classification Sherloc (09022015). Collection method: clinical testing. Allele origin: germline.

PreventionGenetics, part of Exact Sciences
Classification: Likely benign for POLE-related condition. Last evaluated: 2025-06-11. Review status: criteria provided, single submitter. Criteria: ACMG Guidelines, 2015. Collection method: clinical testing. Allele origin: germline.
Comment: This variant is classified as likely benign based on ACMG/AMP sequence variant interpretation guidelines (Richards et al. 2015 PMID: 25741868, with internal and published modifications).

Dasa
Classification: Likely benign. Last evaluated: 2025-05-15. Review status: criteria provided, single submitter. Criteria: DASA Assertion Criteria. Collection method: clinical testing. Allele origin: germline.
Comment: NM_006231.4(POLE):c.3881G>A (p.Arg1294His) is a missense variant that results in the substitution of arginine with histidine. Population frequency is inconsistent with a disease-causing role for this variant. Computational prediction algorithms are consistent with a benign effect. Therefore, based on the currently available evidence, this variant is classified as likely benign.

Center for Genomic Medicine, Rigshospitalet, Copenhagen University Hospital
Classification: Uncertain significance. Last evaluated: 2025-03-04. Review status: criteria provided, single submitter. Criteria: ACMG Guidelines, 2015. Collection method: clinical testing. Allele origin: germline.

GeneDx
Classification: Uncertain significance. Last evaluated: 2024-03-13. Review status: criteria provided, single submitter. Criteria: GeneDx Variant Classification Process June 2021. Collection method: clinical testing. Allele origin: germline. Affected: yes.
Comment: Has not been previously published as pathogenic or benign to our knowledge; In silico analysis supports that this missense variant has a deleterious effect on protein structure/function; This variant is associated with the following publications: (PMID: 29360550, 27244218)

Ambry Genetics
Classification: Likely benign for Hereditary cancer-predisposing syndrome. Last evaluated: 2022-10-03. Review status: criteria provided, single submitter. Criteria: Ambry Variant Classification Scheme 2023. Collection method: clinical testing. Allele origin: germline.

Sema4
Classification: Likely benign for Hereditary cancer-predisposing syndrome. Last evaluated: 2021-05-03. Review status: criteria provided, single submitter. Criteria: Sema4 Curation Guidelines. Collection method: curation. Allele origin: germline.

Quest Diagnostics Nichols Institute San Juan Capistrano
Classification: Uncertain significance. Last evaluated: 2017-02-02. Review status: criteria provided, single submitter. Criteria: Quest Diagnostics criteria. Collection method: clinical testing. Allele origin: germline.